The following is an entry in ClinVar:

ClinVar aggregate classification (germline): Uncertain significance. Review status: criteria provided, multiple submitters, no conflicts (2 of 4 stars). 2 submissions from 2 submitters: Uncertain significance (2). Last evaluated 2022-06-24.

Conditions:
Inborn genetic diseases. Identifiers: MedGen C0950123, MeSH D030342.

Allele frequency attached by ClinVar (database versions not stated): TOPMed below 0.00001; gnomAD 0.00001; gnomAD exomes 0.00001 and 0.00002.
gnomAD v4.1: 19 of 1,463,662 alleles (0.0013%); highest among the groups gnomAD compares: South Asian, 0.013%; no homozygotes.

Submissions (2):

Ambry Genetics
Classification: Uncertain significance for Inborn genetic diseases. Last evaluated: 2022-06-24. Review status: criteria provided, single submitter. Criteria: Ambry Variant Classification Scheme 2023. Collection method: clinical testing. Allele origin: germline.

Labcorp Genetics (formerly Invitae), Labcorp
Classification: Uncertain significance. Last evaluated: 2021-08-22. Review status: criteria provided, single submitter. Criteria: Invitae Variant Classification Sherloc (09022015). Collection method: clinical testing. Allele origin: germline.
Comment: This sequence change replaces valine with alanine at codon 94 of the ORC4 protein (p.Val94Ala). The valine residue is moderately conserved and there is a small physicochemical difference between valine and alanine. This variant is not present in population databases (ExAC no frequency). This variant has not been reported in the literature in individuals affected with ORC4-related conditions. Algorithms developed to predict the effect of missense changes on protein structure and function (SIFT, PolyPhen-2, Align-GVGD) all suggest that this variant is likely to be tolerated. In summary, the available evidence is currently insufficient to determine the role of this variant in disease. Therefore, it has been classified as a Variant of Uncertain Significance.

NM_181741.4(ORC4):c.281T>C (p.Val94Ala)

Gene: ORC4 (origin recognition complex subunit 4; minus strand). Cytogenetic location: 2q23.1.
Variant type: single nucleotide variant.
Coding change: c.281T>C on transcript NM_181741.4 (MANE Select); coding-DNA position 281, T replaced by C.
Protein change: p.Val94Ala; replaces valine 94 with alanine.
Molecular consequence: missense variant.
Genome position (GRCh38, 1-based): chr2:147,958,811, A>G on the plus strand (T>C on the coding strand, the complement: ORC4 is on the minus strand). VCF-style: chr2-147958811-A-G. GRCh37 (hg19) VCF-style: chr2-148716380-A-G.
Other names: c.281T>C, p.Val94Ala (NM_002552.5, NM_181742.5, NM_001190879.3 and 1 more transcripts); c.29T>C, p.Val10Ala (NM_001190881.3, NM_001374272.1); c.59T>C, p.Val20Ala (NM_001190882.3); short protein forms V10A, V20A, V94A.
Identifiers: ClinVar variation 1377524 (VCV001377524.4), dbSNP rs1422769575, ClinGen allele CA348714405.